The following is an entry in ClinVar:

NM_015231.3(NUP160):c.1802C>T (p.Pro601Leu)

Gene: NUP160 (nucleoporin 160; minus strand). Cytogenetic location: 11p11.2.
Variant type: single nucleotide variant.
Coding change: c.1802C>T on transcript NM_015231.3 (MANE Select); coding-DNA position 1802, C replaced by T.
Protein change: p.Pro601Leu; replaces proline 601 with leucine.
Molecular consequence: missense variant. On other transcripts: non-coding transcript variant (1).
Genome position (GRCh38, 1-based): chr11:47,812,930, G>A on the plus strand (C>T on the coding strand, the complement: NUP160 is on the minus strand). VCF-style: chr11-47812930-G-A. GRCh37 (hg19) VCF-style: chr11-47834482-G-A.
Other names: c.1904C>T (NM_015231.2); short protein forms P601L.
Identifiers: ClinVar variation 2047194 (VCV002047194.19), dbSNP rs149988673, ClinGen allele CA5981184.

ClinVar aggregate classification (germline): Likely benign. Review status: criteria provided, multiple submitters, no conflicts (2 of 4 stars). 3 submissions from 3 submitters: Likely benign (2). 1 of the submissions does not count toward it. Last evaluated 2025-01-28.

Conditions:
NUP160-related disorder. Also called: NUP160-related condition.

Allele frequency attached by ClinVar (database versions not stated): 1000 Genomes Project 30x 0.00047; 1000 Genomes Project 0.00060; ExAC 0.00101; gnomAD 0.00117; TOPMed 0.00129; ESP Exome Variant Server 0.00138; gnomAD exomes 0.00189.
gnomAD v4.1: 2,900 of 1,613,426 alleles (0.18%); highest among the groups gnomAD compares: Non-Finnish European, 0.23%; 5 homozygotes.

Submissions (3):

Labcorp Genetics (formerly Invitae), Labcorp
Classification: Likely benign. Last evaluated: 2025-01-28. Review status: criteria provided, single submitter. Criteria: Invitae Variant Classification Sherloc (09022015). Collection method: clinical testing. Allele origin: germline.

CeGaT Center for Human Genetics Tuebingen
Classification: Likely benign. Last evaluated: 2025-01-01. Review status: criteria provided, single submitter. Criteria: CeGaT Center For Human Genetics Tuebingen Variant Classification Criteria Version 2. Collection method: clinical testing. Allele origin: germline. Affected: yes. Observed: 1 variant allele.
Comment: NUP160: BS1

PreventionGenetics, part of Exact Sciences
Classification: Likely benign for NUP160-related condition. Last evaluated: 2021-08-02. Review status: no assertion criteria provided. Collection method: clinical testing. Allele origin: germline. Not counted in ClinVar's aggregate classification.
Comment: This variant is classified as likely benign based on ACMG/AMP sequence variant interpretation guidelines (Richards et al. 2015 PMID: 25741868, with internal and published modifications).